The following is an entry in ClinVar:

GRCh38/hg38 22q11.21(chr22:18857118-21109441)x1

Genes: AIFM3 (AIF family member 3; plus strand), ARVCF (ARVCF delta catenin family member; minus strand), C22orf39 (chromosome 22 open reading frame 39; minus strand), CCDC188 (coiled-coil domain containing 188; minus strand), CDC45 (cell division cycle 45; plus strand) and 173 more. Cytogenetic location: 22q11.21.
Variant type: copy number loss.
Change: copy number 1 (one copy instead of two) of chr22:18,857,118-21,109,441 (2.25 Mb, GRCh38 coordinates, 1-based), cytogenetic band 22q11.21.
Identifiers: ClinVar variation 4852069 (VCV004852069.1).

ClinVar aggregate classification (germline): Pathogenic (1 of 4 stars; one submission).

Submission:

Clinical Genomics Laboratory, Laboratory for Precision Diagnostics, University of Washington
Classification: Pathogenic. Last evaluated: 2022-11-18. Review status: criteria provided, single submitter. Criteria: ACMG/ClinGen CNV Guidelines, 2019. Collection method: clinical testing. Allele origin: unknown. Affected: yes. Observed: 1 variant allele.
Comment: This deletion includes the 22q11.21 LCR22A-D deletion found in the majority of people with 22q11.2 deletion syndrome.

Literature cited by the submitters: PubMed 25962607; PubMed 29545254.